The following is an entry in ClinVar:

NM_007194.4(CHEK2):c.1260-10C>T

Gene: CHEK2 (checkpoint kinase 2; minus strand). Cytogenetic location: 22q12.1.
Variant type: single nucleotide variant.
Coding change: c.1260-10C>T on transcript NM_007194.4 (MANE Select); 10 bases into the intron before coding-DNA position 1260, C replaced by T.
Molecular consequence: intron variant.
Genome position (GRCh38, 1-based): chr22:28,695,252, G>A on the plus strand (C>T on the coding strand, the complement: CHEK2 is on the minus strand). VCF-style: chr22-28695252-G-A. GRCh37 (hg19) VCF-style: chr22-29091240-G-A.
Other names: c.597-10C>T (NM_001437942.1, NM_001257387.3); c.1059-10C>T (NM_001349956.3); c.1173-10C>T (NM_145862.3); c.1266-10C>T (NM_001438295.1); c.1353-10C>T (NM_001438293.1); c.1302-10C>T (NM_001438294.1); c.1389-10C>T (NM_001005735.3).
Identifiers: ClinVar variation 1958940 (VCV001958940.6), dbSNP rs730881706, ClinGen allele CA10167687.

ClinVar aggregate classification (germline): Likely benign. Review status: criteria provided, multiple submitters, no conflicts (2 of 4 stars). 2 submissions from 2 submitters: Likely benign (2). Last evaluated 2025-08-11.

Conditions:
Familial cancer of breast. Also called: hereditary breast carcinoma; BREAST CANCER, FAMILIAL; Hereditary breast cancer. Identifiers: Orphanet 227535, MedGen C0346153, MONDO:0016419, OMIM 114480. Disease mechanism: loss of function.

gnomAD v4.1: 2 of 1,456,974 alleles (0.00014%); highest among the groups gnomAD compares: Admixed American, 0.0017%; no homozygotes.

Submissions (2):

Labcorp Genetics (formerly Invitae), Labcorp
Classification: Likely benign for Familial cancer of breast. Last evaluated: 2025-08-11. Review status: criteria provided, single submitter. Criteria: Invitae Variant Classification Sherloc (09022015). Collection method: clinical testing. Allele origin: germline.

Myriad Genetics, Inc.
Classification: Likely benign for Familial cancer of breast. Last evaluated: 2024-10-07. Review status: criteria provided, single submitter. Criteria: Myriad Autosomal Dominant, Autosomal Recessive and X-Linked Classification Criteria (2023). Collection method: clinical testing. Allele origin: unknown.
Comment: This variant is considered likely benign. This variant is intronic and is not expected to impact mRNA splicing.